The following is an entry in ClinVar:

ClinVar aggregate classification (germline): Uncertain significance (1 of 4 stars; one submission).

Allele frequency attached by ClinVar (database versions not stated): TOPMed below 0.00001.

Submission:

Labcorp Genetics (formerly Invitae), Labcorp
Classification: Uncertain significance. Last evaluated: 2021-07-07. Review status: criteria provided, single submitter. Criteria: Invitae Variant Classification Sherloc (09022015). Collection method: clinical testing. Allele origin: germline.
Comment: This sequence change replaces asparagine with tyrosine at codon 2254 of the KMT2A protein (p.Asn2254Tyr). The asparagine residue is weakly conserved and there is a large physicochemical difference between asparagine and tyrosine. In summary, the available evidence is currently insufficient to determine the role of this variant in disease. Therefore, it has been classified as a Variant of Uncertain Significance. Advanced modeling of protein sequence and biophysical properties (such as structural, functional, and spatial information, amino acid conservation, physicochemical variation, residue mobility, and thermodynamic stability) performed at Invitae indicates that this missense variant is not expected to disrupt KMT2A protein function. This variant has not been reported in the literature in individuals affected with KMT2A-related conditions. This variant is not present in population databases (ExAC no frequency).

NM_001197104.2(KMT2A):c.6760A>T (p.Asn2254Tyr)

Gene: KMT2A (lysine methyltransferase 2A; plus strand). Cytogenetic location: 11q23.3.
Variant type: single nucleotide variant.
Coding change: c.6760A>T on transcript NM_001197104.2 (MANE Select); coding-DNA position 6760, A replaced by T.
Protein change: p.Asn2254Tyr; replaces asparagine 2254 with tyrosine.
Molecular consequence: missense variant.
Genome position (GRCh38, 1-based): chr11:118,502,652, A>T. VCF-style: chr11-118502652-A-T. GRCh37 (hg19) VCF-style: chr11-118373367-A-T.
Other names: c.6751A>T, p.Asn2251Tyr (NM_005933.4); short protein forms N2251Y, N2254Y.
Identifiers: ClinVar variation 1404167 (VCV001404167.8), dbSNP rs1950518545, ClinGen allele CA382802938.